The following is an entry in ClinVar:

NM_001376.5(DYNC1H1):c.3370C>T (p.His1124Tyr)

Gene: DYNC1H1 (dynein cytoplasmic 1 heavy chain 1; plus strand). Cytogenetic location: 14q32.31.
Variant type: single nucleotide variant.
Coding change: c.3370C>T on transcript NM_001376.5 (MANE Select); coding-DNA position 3370, C replaced by T.
Protein change: p.His1124Tyr; replaces histidine 1124 with tyrosine.
Molecular consequence: missense variant.
Genome position (GRCh38, 1-based): chr14:101,995,022, C>T. VCF-style: chr14-101995022-C-T. GRCh37 (hg19) VCF-style: chr14-102461359-C-T.
Other names: short protein forms H1124Y.
Identifiers: ClinVar variation 246228 (VCV000246228.6), dbSNP rs879254164, ClinGen allele CA10584459.

ClinVar aggregate classification (germline): Pathogenic (1 of 4 stars; one submission).

Submission:

GeneDx
Classification: Pathogenic. Last evaluated: 2024-04-08. Review status: criteria provided, single submitter. Criteria: GeneDx Variant Classification Process June 2021. Collection method: clinical testing. Allele origin: germline. Affected: yes.
Comment: Not observed at significant frequency in large population cohorts (gnomAD); In silico analysis supports that this missense variant has a deleterious effect on protein structure/function; This variant is associated with the following publications: (PMID: 28191890, 31785789, 28135719, 33057194, 35982159, 26100331, 25512093, 25609763)